The following is an entry in ClinVar:

NM_000142.5(FGFR3):c.437_445+3del

Gene: FGFR3 (fibroblast growth factor receptor 3; plus strand). Cytogenetic location: 4p16.3.
Variant type: Deletion.
Coding change: c.437_445+3del on transcript NM_000142.5 (MANE Select); coding-DNA position 437 through 3 bases into the intron after coding-DNA position 445, 12 bases deleted (TGGACACAGGTA).
Molecular consequence: splice donor variant.
Genome position (GRCh38, 1-based): chr4:1,799,804-1,799,815, TGGACACAGGTA deleted. VCF-style (leftmost placement, unchanged base first): chr4-1799803-GTGGACACAGGTA-G. GRCh37 (hg19) VCF-style: chr4-1801530-GTGGACACAGGTA-G.
Other names: c.437_445+3del (NM_001163213.2, NM_001354809.2, NM_001354810.2 and 1 more transcripts).
Identifiers: ClinVar variation 3349976 (VCV003349976.4).

ClinVar aggregate classification (germline): Uncertain significance. Review status: criteria provided, multiple submitters, no conflicts (2 of 4 stars). 3 submissions from 3 submitters: Uncertain significance (2). 1 of the submissions does not count toward it. Last evaluated 2024-12-15.

Conditions:
FGFR3-related disorder. Also called: FGFR3-related disorders.

Submissions (3):

Labcorp Genetics (formerly Invitae), Labcorp
Classification: Uncertain significance. Last evaluated: 2024-12-15. Review status: criteria provided, single submitter. Criteria: Invitae Variant Classification Sherloc (09022015). Collection method: clinical testing. Allele origin: germline.
Comment: This variant results in the deletion of part of exon 4 (c.437_445+3del) of the FGFR3 gene. It is expected to disrupt RNA splicing. Variants that disrupt the donor or acceptor splice site typically lead to a loss of protein function (PMID: 16199547), however the current clinical and genetic evidence is not sufficient to establish whether loss-of-function variants in FGFR3 cause disease. This variant is not present in population databases (gnomAD no frequency). This variant has not been reported in the literature in individuals affected with FGFR3-related conditions. In summary, the available evidence is currently insufficient to determine the role of this variant in disease. Therefore, it has been classified as a Variant of Uncertain Significance.

GeneDx
Classification: Uncertain significance. Last evaluated: 2023-06-02. Review status: criteria provided, single submitter. Criteria: GeneDx Variant Classification Process June 2021. Collection method: clinical testing. Allele origin: germline. Affected: yes.
Comment: Canonical splice site variant in a gene for which loss of function is not an established mechanism of disease; Not observed at significant frequency in large population cohorts (gnomAD); Has not been previously published as pathogenic or benign to our knowledge

PreventionGenetics, part of Exact Sciences
Classification: Uncertain significance for FGFR3-related condition. Last evaluated: 2024-09-17. Review status: no assertion criteria provided. Collection method: clinical testing. Allele origin: germline. Not counted in ClinVar's aggregate classification.
Comment: The FGFR3 c.437_445+3del12 variant is predicted to result in a deletion affecting a canonical splice site. This 12 nucleotide deletion overlaps the canonical donor splice site and is predicted to impact splicing (SpliceAI, Jaganathan et al. 2019. PubMed ID: 30661751). To our knowledge, this variant has not been reported in the literature or in the gnomAD v2.1.1 database, but has been observed in four heterozygous individuals in the larger gnomAD v4.1.0 database. At this time, the clinical significance of this variant is uncertain due to the absence of conclusive functional and genetic evidence.

Literature cited by the submitters: PubMed 16199547 (cited by Labcorp Genetics (formerly Invitae), Labcorp).